The following is an entry in ClinVar:

NM_000209.4(PDX1):c.248ACC[2] (p.His85del)

Gene: PDX1 (pancreatic and duodenal homeobox 1; plus strand). Cytogenetic location: 13q12.2.
Variant type: Microsatellite.
Coding change: c.248ACC[2] on transcript NM_000209.4 (MANE Select); two copies in a row of the 3-base unit ACC starting at c.248; the reference has three copies in a row; one copy, 3 bases deleted.
Protein change: p.His85del; deletes histidine 85.
Molecular consequence: inframe deletion.
Genome position (GRCh38, 1-based): chr13:27,920,392-27,920,394, ACC deleted; deleting any 3 consecutive bases within chr13:27,920,385-27,920,394 gives the same sequence; the position shown is the placement nearest the transcript's 3' end. VCF-style (leftmost placement, unchanged base first): chr13-27920384-TCAC-T. GRCh37 (hg19) VCF-style: chr13-28494521-TCAC-T.
Other names: c.254_256delACC (NM_000209.4); short protein forms H85del.
Identifiers: ClinVar variation 4535670 (VCV004535670.1).

ClinVar aggregate classification (germline): Uncertain significance (1 of 4 stars; one submission).

Submission:

Women's Health and Genetics/Laboratory Corporation of America, LabCorp
Classification: Uncertain significance. Last evaluated: 2025-09-08. Review status: criteria provided, single submitter. Criteria: LabCorp Variant Classification Summary - May 2015. Collection method: clinical testing. Allele origin: germline.
Comment: Variant summary: PDX1 c.254_256delACC (p.His85del) results in an in-frame deletion that is predicted to remove one amino acid from the encoded protein. The variant was absent in 148288 control chromosomes. The available data on variant occurrences in the general population are insufficient to allow any conclusion about variant significance. To our knowledge, no occurrence of c.254_256delACC in individuals affected with PDX1-related conditions and no experimental evidence demonstrating its impact on protein function have been reported. No submitters have cited clinical-significance assessments for this variant to ClinVar. Based on the evidence outlined above, the variant was classified as uncertain significance.